The following is an entry in ClinVar:

NM_002439.5(MSH3):c.2507C>A (p.Ser836Tyr)

Gene: MSH3 (mutS homolog 3; plus strand). Cytogenetic location: 5q14.1.
Variant type: single nucleotide variant.
Coding change: c.2507C>A on transcript NM_002439.5 (MANE Select); coding-DNA position 2507, C replaced by A.
Protein change: p.Ser836Tyr; replaces serine 836 with tyrosine.
Molecular consequence: missense variant.
Genome position (GRCh38, 1-based): chr5:80,787,636, C>A. VCF-style: chr5-80787636-C-A. GRCh37 (hg19) VCF-style: chr5-80083455-C-A.
Other names: short protein forms S836Y.
Identifiers: ClinVar variation 2866537 (VCV002866537.3), dbSNP rs1744532625, ClinGen allele CA360283324.

ClinVar aggregate classification (germline): Uncertain significance (1 of 4 stars; one submission).

Submission:

Labcorp Genetics (formerly Invitae), Labcorp
Classification: Uncertain significance. Last evaluated: 2023-05-21. Review status: criteria provided, single submitter. Criteria: Invitae Variant Classification Sherloc (09022015). Collection method: clinical testing. Allele origin: germline.
Comment: In summary, the available evidence is currently insufficient to determine the role of this variant in disease. Therefore, it has been classified as a Variant of Uncertain Significance. An algorithm developed to predict the effect of missense changes on protein structure and function (PolyPhen-2) suggests that this variant is likely to be disruptive. This variant has not been reported in the literature in individuals affected with MSH3-related conditions. This variant is not present in population databases (gnomAD no frequency). This sequence change replaces serine, which is neutral and polar, with tyrosine, which is neutral and polar, at codon 836 of the MSH3 protein (p.Ser836Tyr).